The following is an entry in ClinVar:

NC_000001.10:g.(?_216462602)_(216465732_?)del

Gene: USH2A (usherin; minus strand). Cytogenetic location: 1q41.
Variant type: Deletion.
Identifiers: ClinVar variation 3248047 (VCV003248047.1).

ClinVar aggregate classification (germline): Pathogenic (1 of 4 stars; one submission).

Submission:

Labcorp Genetics (formerly Invitae), Labcorp
Classification: Pathogenic. Last evaluated: 2023-11-06. Review status: criteria provided, single submitter. Criteria: Invitae Variant Classification Sherloc (09022015). Collection method: clinical testing. Allele origin: unknown.
Comment: This variant is a gross deletion of the genomic region encompassing exon(s) 10-11 of the USH2A gene. This variant would be expected to be in-frame, preserving the integrity of the reading frame. A similar copy number variant has been observed in individual(s) with Usher syndrome (PMID: 24944099, 29655801). In at least one individual the data is consistent with being in trans (on the opposite chromosome) from a pathogenic variant. For these reasons, this variant has been classified as Pathogenic.

Literature cited by the submitters: PubMed 24944099; PubMed 29655801.